The following is an entry in ClinVar:

ClinVar aggregate classification (germline): Pathogenic (1 of 4 stars; one submission).

Conditions:
Inborn genetic diseases. Identifiers: MedGen C0950123, MeSH D030342.

Submission:

Ambry Genetics
Classification: Pathogenic for Inborn genetic diseases. Last evaluated: 2016-05-31. Review status: criteria provided, single submitter. Criteria: Ambry Variant Classification Scheme 2023. Collection method: clinical testing. Allele origin: germline.
Comment: The c.2085dupT pathogenic mutation, located in coding exon 11 of the HNRNPU gene, results from a duplication of T at nucleotide position 2085, causing a translational frameshift with a predicted alternate stop codon. Since frameshifts are typically deleterious in nature, this alteration is interpreted as a disease-causing mutation (ACMG Recommendations for Standards for Interpretation and Reporting of Sequence Variations. Revision 2007. Genet Med. 2008;10:294).

NM_031844.3(HNRNPU):c.2085dup (p.Gly696fs)

Gene: HNRNPU (heterogeneous nuclear ribonucleoprotein U; minus strand). Cytogenetic location: 1q44.
Variant type: Duplication.
Coding change: c.2085dup on transcript NM_031844.3 (MANE Select); coding-DNA position 2085, one base duplicated (T; older notation c.2085dupT).
Protein change: p.Gly696fs; shifts the reading frame from glycine 696.
Molecular consequence: frameshift variant.
Genome position (GRCh38, 1-based): chr1:244,855,986, A duplicated on the plus strand (T on the coding strand, the reverse complement: HNRNPU is on the minus strand). VCF-style (leftmost placement, unchanged base first): chr1-244855985-C-CA. GRCh37 (hg19) VCF-style: chr1-245019287-C-CA.
Other names: c.2028dup, p.Gly677fs (NM_004501.3); c.2085dupT (NM_031844.2); short protein forms G677fs, G696fs.
Identifiers: ClinVar variation 521108 (VCV000521108.7), dbSNP rs1553282235, ClinGen allele CA658795659.